The following is an entry in ClinVar:

ClinVar aggregate classification (germline): Uncertain significance. Review status: criteria provided, single submitter (1 of 4 stars). 2 submissions from 2 submitters: Uncertain significance (1). 1 of the submissions does not count toward it. Last evaluated 2025-12-29.

Conditions:
SEMA3E-related disorder. Also called: SEMA3E-related condition.
CHARGE syndrome (CHARGE). Also called: Hittner Hirsch Kreh syndrome; CHARGE ASSOCIATION--COLOBOMA, HEART ANOMALY, CHOANAL ATRESIA, RETARDATION, GENITAL AND EAR ANOMALIES; Coloboma, heart anomaly, choanal atresia, retardation, genital and ear anomalies; CHARGE association; Hall-Hittner syndrome. Identifiers: Orphanet 138, MedGen C0265354, MONDO:0008965.

gnomAD v4.1: 8 of 1,612,824 alleles (0.0005%); highest among the groups gnomAD compares: Non-Finnish European, 0.00068%; no homozygotes.

Submissions (2):

Labcorp Genetics (formerly Invitae), Labcorp
Classification: Uncertain significance for CHARGE syndrome. Last evaluated: 2025-12-29. Review status: criteria provided, single submitter. Criteria: Invitae Variant Classification Sherloc (09022015). Collection method: clinical testing. Allele origin: germline.
Comment: This sequence change replaces serine, which is neutral and polar, with arginine, which is basic and polar, at codon 660 of the SEMA3E protein (p.Ser660Arg). This variant is present in population databases (rs765714612, gnomAD 0.002%). This variant has not been reported in the literature in individuals affected with SEMA3E-related conditions. ClinVar contains an entry for this variant (Variation ID: 3350569). Invitae Evidence Modeling of protein sequence and biophysical properties (such as structural, functional, and spatial information, amino acid conservation, physicochemical variation, residue mobility, and thermodynamic stability) indicates that this missense variant is not expected to disrupt SEMA3E protein function with a negative predictive value of 80%. In summary, the available evidence is currently insufficient to determine the role of this variant in disease. Therefore, it has been classified as a Variant of Uncertain Significance.

PreventionGenetics, part of Exact Sciences
Classification: Uncertain significance for SEMA3E-related condition. Last evaluated: 2024-06-25. Review status: no assertion criteria provided. Collection method: clinical testing. Allele origin: germline. Not counted in ClinVar's aggregate classification.
Comment: The SEMA3E c.1980C>A variant is predicted to result in the amino acid substitution p.Ser660Arg. To our knowledge, this variant has not been reported in the literature. This variant is reported in 0.0018% of alleles in individuals of European (Non-Finnish) descent in gnomAD. At this time, the clinical significance of this variant is uncertain due to the absence of conclusive functional and genetic evidence.

NM_012431.3(SEMA3E):c.1980C>A (p.Ser660Arg)

Gene: SEMA3E (semaphorin 3E; minus strand). Cytogenetic location: 7q21.11.
Variant type: single nucleotide variant.
Coding change: c.1980C>A on transcript NM_012431.3 (MANE Select); coding-DNA position 1980, C replaced by A.
Protein change: p.Ser660Arg; replaces serine 660 with arginine.
Molecular consequence: missense variant.
Genome position (GRCh38, 1-based): chr7:83,367,934, G>T on the plus strand (C>A on the coding strand, the complement: SEMA3E is on the minus strand). VCF-style: chr7-83367934-G-T. GRCh37 (hg19) VCF-style: chr7-82997250-G-T.
Other names: c.1800C>A, p.Ser600Arg (NM_001178129.2); short protein forms S600R, S660R.
Identifiers: ClinVar variation 3350569 (VCV003350569.2).